The following is an entry in ClinVar:

ClinVar aggregate classification (germline): Conflicting classifications of pathogenicity. Review status: criteria provided, conflicting classifications (1 of 4 stars). 2 submissions from 2 submitters: Uncertain significance (1); Likely benign (1). Last evaluated 2025-02-26.

Conditions:
Hereditary cancer-predisposing syndrome. Also called: Neoplastic Syndromes, Hereditary; Tumor predisposition; Hereditary Cancer Syndrome; Hereditary neoplastic syndrome. Identifiers: Orphanet 140162, MedGen C0027672, MeSH D009386, MONDO:0015356.

Allele frequency attached by ClinVar (database versions not stated): gnomAD exomes below 0.00001.
gnomAD v4.1: 1 of 1,601,072 alleles (0.000062%); highest among the groups gnomAD compares: Non-Finnish European, 0.000085%; no homozygotes.

Submissions (2):

Ambry Genetics
Classification: Likely benign for Hereditary cancer-predisposing syndrome. Last evaluated: 2025-02-26. Review status: criteria provided, single submitter. Criteria: Ambry Variant Classification Scheme 2023. Collection method: clinical testing. Allele origin: germline.

Color Diagnostics, LLC DBA Color Health
Classification: Uncertain significance for Hereditary cancer-predisposing syndrome. Last evaluated: 2024-08-07. Review status: criteria provided, single submitter. Criteria: ACMG Guidelines, 2015. Collection method: clinical testing. Allele origin: germline.
Comment: This missense variant replaces arginine with serine at codon 173 of the ATM protein. Computational prediction suggests that this variant may not impact protein structure and function. To our knowledge, functional studies have not been reported for this variant. This variant has not been reported in individuals affected with ATM-related disorders in the literature. This variant has not been identified in the general population by the Genome Aggregation Database (gnomAD). The available evidence is insufficient to determine the role of this variant in disease conclusively. Therefore, this variant is classified as a Variant of Uncertain Significance.

NM_000051.4(ATM):c.519G>T (p.Arg173Ser)

Gene: ATM (ATM serine/threonine kinase; plus strand). Cytogenetic location: 11q22.3.
Variant type: single nucleotide variant.
Coding change: c.519G>T on transcript NM_000051.4 (MANE Select); coding-DNA position 519, G replaced by T.
Protein change: p.Arg173Ser; replaces arginine 173 with serine.
Molecular consequence: missense variant.
Genome position (GRCh38, 1-based): chr11:108,243,975, G>T. VCF-style: chr11-108243975-G-T. GRCh37 (hg19) VCF-style: chr11-108114702-G-T.
Other names: c.519G>T, p.Arg173Ser (NM_001351834.2); short protein forms R173S.
Identifiers: ClinVar variation 140950 (VCV000140950.7), dbSNP rs587781391, ClinGen allele CA164005.